The following is an entry in ClinVar:

ClinVar aggregate classification (germline): Conflicting classifications of pathogenicity. Review status: criteria provided, conflicting classifications (1 of 4 stars). 3 submissions from 2 submitters: Uncertain significance (1); Likely benign (2). Last evaluated 2026-01-12.

Conditions:
Freeman-Sheldon syndrome (DA2A). Also called: CRANIOCARPOTARSAL DYSPLASIA; CRANIOCARPOTARSAL DYSTROPHY; WHISTLING FACE-WINDMILL VANE HAND SYNDROME; Arthrogryposis, distal, type 2A (Freeman-Sheldon). Identifiers: Orphanet 2053, MedGen C0265224, MONDO:0008675, OMIM 193700.
Distal arthrogryposis type 2B1 (DA2B1). Also called: Arthrogryposis multiplex congenita distal type II with craniofacial abnormalities. Identifiers: Orphanet 1147, MedGen C5193014, MONDO:0020820, OMIM 601680.

Allele frequency attached by ClinVar (database versions not stated): ExAC 0.00002; gnomAD 0.00003 and 0.00004; gnomAD exomes 0.00003 and 0.00006; TOPMed 0.00004.
gnomAD v4.1: 97 of 1,614,030 alleles (0.006%); highest among the groups gnomAD compares: Non-Finnish European, 0.0071%; no homozygotes.

Submissions (3):

Labcorp Genetics (formerly Invitae), Labcorp
Classification: Likely benign. Last evaluated: 2026-01-12. Review status: criteria provided, single submitter. Criteria: Invitae Variant Classification Sherloc (09022015). Collection method: clinical testing. Allele origin: germline.

Illumina Laboratory Services, Illumina
Classification: Likely benign for Freeman-Sheldon syndrome. Last evaluated: 2018-01-13. Review status: criteria provided, single submitter. Criteria: ICSL Variant Classification Criteria 13 December 2019. Collection method: clinical testing. Allele origin: germline.
Comment: This variant was observed in the ICSL laboratory as part of a predisposition screen in an ostensibly healthy population. It had not been previously curated by ICSL or reported in the Human Gene Mutation Database (HGMD: prior to June 1st, 2018), and was therefore a candidate for classification through an automated scoring system. Utilizing variant allele frequency, disease prevalence and penetrance estimates, and inheritance mode, an automated score was calculated to assess if this variant is too frequent to cause the disease. Based on the score and internal cut-off values, a variant classified as likely benign is not then subjected to further curation. The score for this variant resulted in a classification of likely benign for this disease.

Illumina Laboratory Services, Illumina
Classification: Uncertain significance for Distal arthrogryposis type 2B1. Last evaluated: 2018-01-13. Review status: criteria provided, single submitter. Criteria: ICSL Variant Classification Criteria 13 December 2019. Collection method: clinical testing. Allele origin: germline.

NM_002470.4(MYH3):c.4203C>T (p.Ser1401=)

Gene: MYH3 (myosin heavy chain 3; minus strand). Cytogenetic location: 17p13.1.
Variant type: single nucleotide variant.
Coding change: c.4203C>T on transcript NM_002470.4 (MANE Select); coding-DNA position 4203, C replaced by T.
Protein change: p.Ser1401=; no amino-acid change (serine 1401 retained).
Molecular consequence: synonymous variant.
Genome position (GRCh38, 1-based): chr17:10,634,993, G>A on the plus strand (C>T on the coding strand, the complement: MYH3 is on the minus strand). VCF-style: chr17-10634993-G-A. GRCh37 (hg19) VCF-style: chr17-10538310-G-A.
Identifiers: ClinVar variation 885992 (VCV000885992.11), dbSNP rs746562608, ClinGen allele CA8392282.